The following is an entry in ClinVar:

NM_015404.4(WHRN):c.2389G>A (p.Glu797Lys)

Gene: WHRN (whirlin; minus strand). Cytogenetic location: 9q32.
Variant type: single nucleotide variant.
Coding change: c.2389G>A on transcript NM_015404.4 (MANE Select); coding-DNA position 2389, G replaced by A.
Protein change: p.Glu797Lys; replaces glutamic acid 797 with lysine.
Molecular consequence: missense variant.
Genome position (GRCh38, 1-based): chr9:114,403,925, C>T on the plus strand (G>A on the coding strand, the complement: WHRN is on the minus strand). VCF-style: chr9-114403925-C-T. GRCh37 (hg19) VCF-style: chr9-117166205-C-T.
Other names: c.1240G>A, p.Glu414Lys (NM_001083885.3); c.2386G>A, p.Glu796Lys (NM_001173425.2); c.1336G>A, p.Glu446Lys (NM_001346890.1); short protein forms E796K, E797K, E414K, E446K.
Identifiers: ClinVar variation 1408816 (VCV001408816.6), dbSNP rs753642608, ClinGen allele CA5205651.
Genomic context (GRCh38, chr9:114,403,925, plus strand): 5'-AGCCCTCTGCATCCTCCTCCTCCTGGCTCACCGGTTTGTTGGCCCCATCTGTGGGCCTCT[C>T]GTTCCGAGGCAGCTCCTTGCTACTCCTGCTCTTGGTGGACACCGACTGCCTTCCTCGGCC-3'
Protein context (NP_056219.3, residues 787-807): SRSSKELPRN[Glu797Lys]RPTDGANKPP

ClinVar aggregate classification (germline): Uncertain significance (1 of 4 stars; one submission).

Allele frequency attached by ClinVar (database versions not stated): ExAC 0.00001; gnomAD 0.00001; gnomAD exomes 0.00001; TOPMed 0.00001.
gnomAD v4.1: 20 of 1,611,166 alleles (0.0012%); highest among the groups gnomAD compares: African/African-American, 0.0027%; no homozygotes.

Submission:

Labcorp Genetics (formerly Invitae), Labcorp
Classification: Uncertain significance. Last evaluated: 2022-07-19. Review status: criteria provided, single submitter. Criteria: Invitae Variant Classification Sherloc (09022015). Collection method: clinical testing. Allele origin: germline.
Comment: This sequence change replaces glutamic acid, which is acidic and polar, with lysine, which is basic and polar, at codon 797 of the WHRN protein (p.Glu797Lys). This variant is present in population databases (rs753642608, gnomAD 0.002%). This variant has not been reported in the literature in individuals affected with WHRN-related conditions. In summary, the available evidence is currently insufficient to determine the role of this variant in disease. Therefore, it has been classified as a Variant of Uncertain Significance. Algorithms developed to predict the effect of missense changes on protein structure and function (SIFT, PolyPhen-2, Align-GVGD) all suggest that this variant is likely to be tolerated. ClinVar contains an entry for this variant (Variation ID: 1408816).